The following is an entry in ClinVar:

ClinVar aggregate classification (germline): Uncertain significance (1 of 4 stars; one submission).

Conditions:
Familial adenomatous polyposis 2. Also called: COLORECTAL ADENOMATOUS POLYPOSIS, AUTOSOMAL RECESSIVE; ADENOMAS, MULTIPLE COLORECTAL, AUTOSOMAL RECESSIVE; MUTYH-associated polyposis; MUTYH Polyposis; Adenomas, multiple colorectal; MUTYH-related attenuated familial adenomatous polyposis. Identifiers: Orphanet 220460, Orphanet 247798, MedGen C3272841, MONDO:0012041, OMIM 608456.

Allele frequency attached by ClinVar (database versions not stated): gnomAD exomes below 0.00001.

Submission:

Labcorp Genetics (formerly Invitae), Labcorp
Classification: Uncertain significance for Familial adenomatous polyposis 2. Last evaluated: 2021-09-26. Review status: criteria provided, single submitter. Criteria: Invitae Variant Classification Sherloc (09022015). Collection method: clinical testing. Allele origin: germline.
Comment: In summary, the available evidence is currently insufficient to determine the role of this variant in disease. Therefore, it has been classified as a Variant of Uncertain Significance. Algorithms developed to predict the effect of missense changes on protein structure and function (SIFT, PolyPhen-2, Align-GVGD) all suggest that this variant is likely to be tolerated. This variant has not been reported in the literature in individuals affected with MUTYH-related conditions. This variant is not present in population databases (ExAC no frequency). This sequence change replaces glycine with glutamic acid at codon 457 of the MUTYH protein (p.Gly457Glu). The glycine residue is weakly conserved and there is a moderate physicochemical difference between glycine and glutamic acid.

NM_001048174.2(MUTYH):c.1286G>A (p.Gly429Glu)

Gene: MUTYH (mutY DNA glycosylase; minus strand). Cytogenetic location: 1p34.1.
Variant type: single nucleotide variant.
Coding change: c.1286G>A on transcript NM_001048174.2 (MANE Select); coding-DNA position 1286, G replaced by A.
Protein change: p.Gly429Glu; replaces glycine 429 with glutamic acid.
Molecular consequence: missense variant. On other transcripts: non-coding transcript variant (2).
Genome position (GRCh38, 1-based): chr1:45,331,288, C>T on the plus strand (G>A on the coding strand, the complement: MUTYH is on the minus strand). VCF-style: chr1-45331288-C-T. GRCh37 (hg19) VCF-style: chr1-45796960-C-T.
Other names: c.1286G>A, p.Gly429Glu (NM_001048171.2, NM_001048173.2, NM_001293195.2); c.1289G>A, p.Gly430Glu (NM_001048172.2); c.1370G>A, p.Gly457Glu (NM_001128425.2); c.1331G>A, p.Gly444Glu (NM_001293190.2); c.1319G>A, p.Gly440Glu (NM_001293191.2); c.1010G>A, p.Gly337Glu (NM_001293192.2, NM_001293196.2); c.941G>A, p.Gly314Glu (NM_001350650.2, NM_001350651.2); c.1361G>A, p.Gly454Glu (NM_012222.3); short protein forms G337E, G440E, G454E, G457E, G314E, G444E, G429E, G430E.
Identifiers: ClinVar variation 1442216 (VCV001442216.6), dbSNP rs1553125193, ClinGen allele CA340132711.